The following is an entry in ClinVar:

NM_007294.4(BRCA1):c.213-2A>T

Gene: BRCA1 (BRCA1 DNA repair associated; minus strand). Cytogenetic location: 17q21.31.
Variant type: single nucleotide variant.
Coding change: c.213-2A>T on transcript NM_007294.4 (MANE Select); the canonical splice acceptor site of the intron before coding-DNA position 213, A replaced by T.
Molecular consequence: splice acceptor variant. On other transcripts: intron variant (2).
Genome position (GRCh38, 1-based): chr17:43,104,958, T>A on the plus strand (A>T on the coding strand, the complement: BRCA1 is on the minus strand). VCF-style: chr17-43104958-T-A. GRCh37 (hg19) VCF-style: chr17-41256975-T-A.
Other names: c.72-2A>T (NM_001408458.1, NM_001407931.1, NM_001407747.1 and 99 more transcripts); c.-218-10098A>T (NM_001407967.1, NM_001407966.1); c.-169-2A>T (NM_001407959.1, NM_001407962.1, NM_001408512.1 and 4 more transcripts); c.3-2A>T (NM_001407885.1, NM_001407886.1, NM_001407898.1 and 58 more transcripts); c.213-2A>T (NM_001407686.1, NM_001408397.1, NM_001407632.1 and 167 more transcripts); c.81-2A>T (NM_001408451.1); c.135-2A>T (NM_001408475.1, NM_001407875.1, NM_001407659.1 and 21 more transcripts).
Identifiers: ClinVar variation 662713 (VCV000662713.12), dbSNP rs397508940, ClinGen allele CA10601742.

ClinVar aggregate classification (germline): Pathogenic (1 of 4 stars; one submission).

Conditions:
Hereditary breast ovarian cancer syndrome. Also called: Hereditary breast and ovarian cancer syndrome (HBOC); Hereditary breast and ovarian cancer; BRCA1- and BRCA2-Associated Hereditary Breast and Ovarian Cancer; Breast and ovarian cancer; Hereditary breast and ovarian cancer syndrome; Hereditary breast and/or ovarian cancer syndrome. Identifiers: Orphanet 145, MedGen C0677776, MeSH D061325, MONDO:0003582. Disease mechanism: loss of function.

Submissions (2):

Labcorp Genetics (formerly Invitae), Labcorp
Classification: Pathogenic for Hereditary breast ovarian cancer syndrome. Last evaluated: 2019-01-30. Review status: criteria provided, single submitter. Criteria: Invitae Variant Classification Sherloc (09022015). Collection method: clinical testing. Allele origin: germline.
Comment: This variant is not present in population databases (ExAC no frequency). For these reasons, this variant has been classified as Pathogenic. Donor and acceptor splice site variants typically lead to a loss of protein function (PMID: 16199547), and loss-of-function variants in BRCA1 are known to be pathogenic (PMID: 20104584). Experimental studies have shown that this variant disrupts mRNA splicing and/or protein function (PMID: 30209399). This variant has not been reported in the literature in individuals with BRCA1-related conditions. This sequence change affects an acceptor splice site in intron 4 of the BRCA1 gene. It is expected to disrupt RNA splicing and likely results in an absent or disrupted protein product.

Brotman Baty Institute, University of Washington
No classification provided (evidence only). Condition: Breast-ovarian cancer, familial 1. Review status: no classification provided. Collection method: in vitro. Allele origin: not applicable. Functional consequence: functionally_abnormal. Not counted in ClinVar's aggregate classification.
ClinVar note: "not provided" was previously submitted as the classification for the variant. However, the classification appeared to be based only on an observation of functional data so it was converted to no classification on 2025-07-30.

Literature cited by the submitters: PubMed 16199547 (cited by Labcorp Genetics (formerly Invitae), Labcorp); PubMed 20104584 (cited by Labcorp Genetics (formerly Invitae), Labcorp); PubMed 30209399 (cited by Labcorp Genetics (formerly Invitae), Labcorp).